The following is an entry in ClinVar:

NM_177433.3(MAGED2):c.633C>T (p.Ala211=)

Gene: MAGED2 (MAGE family member D2; plus strand). Cytogenetic location: Xp11.21.
Variant type: single nucleotide variant.
Coding change: c.633C>T on transcript NM_177433.3 (MANE Select); coding-DNA position 633, C replaced by T.
Protein change: p.Ala211=; no amino-acid change (alanine 211 retained).
Molecular consequence: synonymous variant.
Genome position (GRCh38, 1-based): chrX:54,810,916, C>T. VCF-style: chrX-54810916-C-T. GRCh37 (hg19) VCF-style: chrX-54837349-C-T.
Other names: c.633C>T, p.Ala211= (NM_014599.6, NM_201222.3).
Identifiers: ClinVar variation 3053493 (VCV003053493.2), dbSNP rs775770634, ClinGen allele CA10426707.

ClinVar aggregate classification (germline): Likely benign (0 of 4 stars; one submission).

Conditions:
MAGED2-related disorder. Also called: MAGED2-related condition.

Allele frequency attached by ClinVar (database versions not stated): gnomAD exomes below 0.00001; ExAC 0.00003.
gnomAD v4.1: 4 of 1,209,393 alleles (0.00033%); highest among the groups gnomAD compares: South Asian, 0.0071%; no homozygotes.

Submission:

PreventionGenetics, part of Exact Sciences
Classification: Likely benign for MAGED2-related condition. Last evaluated: 2019-08-15. Review status: no assertion criteria provided. Collection method: clinical testing. Allele origin: germline.
Comment: This variant is classified as likely benign based on ACMG/AMP sequence variant interpretation guidelines (Richards et al. 2015 PMID: 25741868, with internal and published modifications).